The following is an entry in ClinVar:

NM_000709.4(BCKDHA):c.699_700del (p.Ile233fs)

Gene: BCKDHA (branched chain keto acid dehydrogenase E1 subunit alpha; plus strand). Cytogenetic location: 19q13.2.
Variant type: Deletion.
Coding change: c.699_700del on transcript NM_000709.4 (MANE Select); coding-DNA positions 699 to 700, 2 bases deleted (CT; older notation c.699_700delCT).
Protein change: p.Ile233fs; shifts the reading frame from isoleucine 233.
Molecular consequence: frameshift variant.
Genome position (GRCh38, 1-based): chr19:41,422,216-41,422,217, CT deleted; deleting any 2 consecutive bases within chr19:41,422,215-41,422,217 gives the same sequence; the c. name uses the placement nearest the transcript's 3' end. VCF-style (leftmost placement, unchanged base first): chr19-41422214-ATC-A. GRCh37 (hg19) VCF-style: chr19-41928119-ATC-A.
Other names: c.699_700del, p.Ile233fs (NM_001164783.2); short protein forms I233fs.
Identifiers: ClinVar variation 2020233 (VCV002020233.4), dbSNP rs2513459729, ClinGen allele CA2580097292.
Genomic context (GRCh38, chr19:41,422,214, plus strand): 5'-TCCCCTGCAGCGGTGGGGGCGGCGTACGCAGCCAAGCGGGCCAATGCCAACAGGGTCGTC[ATC>A]TGTTACTTCGGCGAGGGGGCAGCCAGTGAGGGGGACGCCCATGCCGGCTTCAACTTCGCT-3'

ClinVar aggregate classification (germline): Pathogenic (1 of 4 stars; one submission).

Conditions:
Maple syrup urine disease (MSUD). Identifiers: Orphanet 511, MedGen C0024776, MeSH D008375, MONDO:0009563. Disease mechanism: loss of function.

Submission:

Labcorp Genetics (formerly Invitae), Labcorp
Classification: Pathogenic for Maple syrup urine disease. Last evaluated: 2023-12-11. Review status: criteria provided, single submitter. Criteria: Invitae Variant Classification Sherloc (09022015). Collection method: clinical testing. Allele origin: germline.
Comment: This sequence change creates a premature translational stop signal (p.Ile233Metfs*10) in the BCKDHA gene. It is expected to result in an absent or disrupted protein product. Loss-of-function variants in BCKDHA are known to be pathogenic (PMID: 16786533, 22593002). This variant is not present in population databases (gnomAD no frequency). This variant has not been reported in the literature in individuals affected with BCKDHA-related conditions. ClinVar contains an entry for this variant (Variation ID: 2020233). For these reasons, this variant has been classified as Pathogenic.

Literature cited by the submitters: PubMed 16786533; PubMed 22593002.